The following is an entry in ClinVar:

NM_014244.5(ADAMTS2):c.*2952T>A

Gene: ADAMTS2 (ADAM metallopeptidase with thrombospondin type 1 motif 2; minus strand). Cytogenetic location: 5q35.3.
Variant type: single nucleotide variant.
Coding change: c.*2952T>A on transcript NM_014244.5 (MANE Select); 2952 bases downstream of the stop codon, T replaced by A.
Molecular consequence: 3 prime UTR variant.
Genome position (GRCh38, 1-based): chr5:179,110,915, A>T on the plus strand (T>A on the coding strand, the complement: ADAMTS2 is on the minus strand). VCF-style: chr5-179110915-A-T. GRCh37 (hg19) VCF-style: chr5-178537916-A-T.
Identifiers: ClinVar variation 353034 (VCV000353034.5), dbSNP rs1044209, ClinGen allele CA10621465.
Genomic context (GRCh38, chr5:179,110,915, plus strand): 5'-ATTTGCAAAAACACAGACATTTTAACTTTAATAAGTTATAAAAGTAAGGAGTCAAATTTT[A>T]CATTACAGAACAAAGATGTATTGGTTGTTGTATCGGTAAGCCAGAATTTTGTGATTTGAG-3'

ClinVar aggregate classification (germline): Benign (1 of 4 stars; one submission).

Conditions:
Ehlers-Danlos syndrome, dermatosparaxis type. Also called: EDS VIIC; Dermatosparaxis; Ehlers-Danlos syndrome, type VII, autosomal recessive. Identifiers: Orphanet 1901, MedGen C2700425, MONDO:0009161, OMIM 225410.

Allele frequency attached by ClinVar (database versions not stated): gnomAD 0.23661 and 0.24368; TOPMed 0.24387; 1000 Genomes Project 30x 0.25640; 1000 Genomes Project 0.26418.

Submission:

Illumina Laboratory Services, Illumina
Classification: Benign for Ehlers-Danlos syndrome, dermatosparaxis type. Last evaluated: 2018-01-12. Review status: criteria provided, single submitter. Criteria: ICSL Variant Classification Criteria 13 December 2019. Collection method: clinical testing. Allele origin: germline.
Comment: This variant was observed in the ICSL laboratory as part of a predisposition screen in an ostensibly healthy population. It had not been previously curated by ICSL or reported in the Human Gene Mutation Database (HGMD: prior to June 1st, 2018), and was therefore a candidate for classification through an automated scoring system. Utilizing variant allele frequency, disease prevalence and penetrance estimates, and inheritance mode, an automated score was calculated to assess if this variant is too frequent to cause the disease. Based on the score and internal cut-off values, a variant classified as benign is not then subjected to further curation. The score for this variant resulted in a classification of benign for this disease.